The following is an entry in ClinVar:

ClinVar aggregate classification (germline): Uncertain significance (0 of 4 stars; one submission).

Conditions:
UCP3-related disorder. Also called: UCP3-related condition.

Submission:

PreventionGenetics, part of Exact Sciences
Classification: Uncertain significance for UCP3-related condition. Last evaluated: 2023-10-18. Review status: no assertion criteria provided. Collection method: clinical testing. Allele origin: germline.
Comment: The UCP3 c.833C>G variant is predicted to result in the amino acid substitution p.Pro278Arg. To our knowledge, this variant has not been reported in the literature or in a large population database, indicating this variant is rare. At this time, the clinical significance of this variant is uncertain due to the absence of conclusive functional and genetic evidence.

NM_003356.4(UCP3):c.833C>G (p.Pro278Arg)

Gene: UCP3 (uncoupling protein 3; minus strand). Cytogenetic location: 11q13.4.
Variant type: single nucleotide variant.
Coding change: c.833C>G on transcript NM_003356.4 (MANE Select); coding-DNA position 833, C replaced by G.
Protein change: p.Pro278Arg; replaces proline 278 with arginine.
Molecular consequence: missense variant.
Genome position (GRCh38, 1-based): chr11:74,001,518, G>C on the plus strand (C>G on the coding strand, the complement: UCP3 is on the minus strand). VCF-style: chr11-74001518-G-C. GRCh37 (hg19) VCF-style: chr11-73712563-G-C.
Other names: short protein forms P278R.
Identifiers: ClinVar variation 3348895 (VCV003348895.1).